The following is an entry in ClinVar:

ClinVar aggregate classification (germline): Benign/Likely benign. Review status: criteria provided, multiple submitters, no conflicts (2 of 4 stars). 2 submissions from 2 submitters: Benign (1); Likely benign (1). Last evaluated 2024-11-11.

Conditions:
Renal cell carcinoma. Identifiers: Orphanet 217071, MedGen C0007134, MeSH D002292, MONDO:0005086, HP:0005584.
Papillary renal cell carcinoma type 1 (RCCP1). Also called: RENAL CELL CARCINOMA, PAPILLARY, 1, SOMATIC; Renal adenocarcinoma; Renal cell carcinoma 1; Renal cell carcinoma, somatic. Identifiers: Orphanet 47044, MedGen C1336839, OMIM 605074, HP:0011797.

gnomAD v4.1: 1 of 1,613,910 alleles (0.000062%); no homozygotes.

Submissions (2):

Myriad Genetics, Inc.
Classification: Benign for Papillary renal cell carcinoma type 1. Last evaluated: 2024-11-11. Review status: criteria provided, single submitter. Criteria: Myriad Autosomal Dominant, Autosomal Recessive and X-Linked Classification Criteria (2023). Collection method: clinical testing. Allele origin: unknown.
Comment: This variant is considered benign. This variant is a silent/synonymous amino acid change and it is not expected to impact splicing.

Labcorp Genetics (formerly Invitae), Labcorp
Classification: Likely benign for Renal cell carcinoma. Last evaluated: 2024-10-21. Review status: criteria provided, single submitter. Criteria: Invitae Variant Classification Sherloc (09022015). Collection method: clinical testing. Allele origin: germline.

NM_000245.4(MET):c.2526G>A (p.Lys842=)

Gene: MET (MET proto-oncogene, receptor tyrosine kinase; plus strand). Cytogenetic location: 7q31.2.
Variant type: single nucleotide variant.
Coding change: c.2526G>A on transcript NM_000245.4 (MANE Select); coding-DNA position 2526, G replaced by A.
Protein change: p.Lys842=; no amino-acid change (lysine 842 retained).
Molecular consequence: synonymous variant.
Genome position (GRCh38, 1-based): chr7:116,763,211, G>A. VCF-style: chr7-116763211-G-A. GRCh37 (hg19) VCF-style: chr7-116403265-G-A.
Other names: c.2580G>A, p.Lys860= (NM_001127500.3); c.2526G>A, p.Lys842= (NM_001324401.3); c.1236G>A, p.Lys412= (NM_001324402.2).
Identifiers: ClinVar variation 3723466 (VCV003723466.3).
Genomic context (GRCh38, chr7:116,763,211, plus strand): 5'-GTTAGATGGGATCCTTTCCAAATACTTTGATCTCATTTATGTACATAATCCTGTGTTTAA[G>A]CCTTTTGAAAAGCCAGTGATGATCTCAATGGGCAATGAAAATGTACTGGAAATTAAGGTA-3'
Protein context (NP_000236.2, residues 832-852): DLIYVHNPVF[Lys842=]PFEKPVMISM